The following is an entry in ClinVar:

ClinVar aggregate classification (germline): Uncertain significance (1 of 4 stars; one submission).

Conditions:
Cryopyrin associated periodic syndrome (CAPS). Identifiers: Orphanet 208650, MedGen C2316212, MONDO:0016168.

gnomAD v4.1: 5 of 1,609,268 alleles (0.00031%); highest among the groups gnomAD compares: Non-Finnish European, 0.00042%; no homozygotes.

Submission:

Labcorp Genetics (formerly Invitae), Labcorp
Classification: Uncertain significance for Cryopyrin associated periodic syndrome. Last evaluated: 2024-05-06. Review status: criteria provided, single submitter. Criteria: Invitae Variant Classification Sherloc (09022015). Collection method: clinical testing. Allele origin: germline.
Comment: This sequence change replaces arginine, which is basic and polar, with tryptophan, which is neutral and slightly polar, at codon 454 of the NLRP3 protein (p.Arg454Trp). This variant is not present in population databases (gnomAD no frequency). This variant has not been reported in the literature in individuals affected with NLRP3-related conditions. Advanced modeling of protein sequence and biophysical properties (such as structural, functional, and spatial information, amino acid conservation, physicochemical variation, residue mobility, and thermodynamic stability) has been performed at Invitae for this missense variant, however the output from this modeling did not meet the statistical confidence thresholds required to predict the impact of this variant on NLRP3 protein function. In summary, the available evidence is currently insufficient to determine the role of this variant in disease. Therefore, it has been classified as a Variant of Uncertain Significance.

NM_001243133.2(NLRP3):c.1354C>T (p.Arg452Trp)

Gene: NLRP3 (NLR family pyrin domain containing 3; plus strand). Cytogenetic location: 1q44.
Variant type: single nucleotide variant.
Coding change: c.1354C>T on transcript NM_001243133.2 (MANE Select); coding-DNA position 1354, C replaced by T.
Protein change: p.Arg452Trp; replaces arginine 452 with tryptophan.
Molecular consequence: missense variant.
Genome position (GRCh38, 1-based): chr1:247,424,803, C>T. VCF-style: chr1-247424803-C-T. GRCh37 (hg19) VCF-style: chr1-247588105-C-T.
Other names: c.1354C>T, p.Arg452Trp (NM_001079821.3, NM_001127461.3, NM_001127462.3 and 1 more transcripts); c.1360C>T, p.Arg454Trp (NM_004895.5); short protein forms R452W, R454W.
Identifiers: ClinVar variation 3685999 (VCV003685999.2).